The following is an entry in ClinVar:

NM_000138.5(FBN1):c.7175A>T (p.His2392Leu)

Gene: FBN1 (fibrillin 1; minus strand). Cytogenetic location: 15q21.1.
Variant type: single nucleotide variant.
Coding change: c.7175A>T on transcript NM_000138.5 (MANE Select); coding-DNA position 7175, A replaced by T.
Protein change: p.His2392Leu; replaces histidine 2392 with leucine.
Molecular consequence: missense variant.
Genome position (GRCh38, 1-based): chr15:48,427,596, T>A on the plus strand (A>T on the coding strand, the complement: FBN1 is on the minus strand). VCF-style: chr15-48427596-T-A. GRCh37 (hg19) VCF-style: chr15-48719793-T-A.
Other names: c.7175A>T, p.His2392Leu (NM_001406716.1); short protein forms H2392L.
Identifiers: ClinVar variation 4537534 (VCV004537534.1).

ClinVar aggregate classification (germline): Uncertain significance (1 of 4 stars; one submission).

Submission:

GeneDx
Classification: Uncertain significance. Last evaluated: 2025-06-10. Review status: criteria provided, single submitter. Criteria: GeneDx Variant Classification Process June 2021. Collection method: clinical testing. Allele origin: germline. Affected: yes.
Comment: Not observed at significant frequency in large population cohorts (gnomAD); In silico analysis supports that this missense variant has a deleterious effect on protein structure/function; Has not been previously published as pathogenic or benign to our knowledge; Does not affect a cysteine or calcium-binding residue within an EGF-like domain or a TGF-binding protein domain of the FBN1 gene; cysteine substitutions in the EGF-like domains represent the majority of pathogenic missense changes associated with FBN1-related disorders (PMID: 12938084); This variant is associated with the following publications: (PMID: 12938084)